The following is an entry in ClinVar:

NM_030928.4(CDT1):c.162_163insTCCC (p.Ala55fs)

Gene: CDT1 (chromatin licensing and DNA replication factor 1; plus strand). Cytogenetic location: 16q24.3.
Variant type: Insertion.
Coding change: c.162_163insTCCC on transcript NM_030928.4 (MANE Select); coding-DNA positions 162 to 163, TCCC inserted.
Protein change: p.Ala55fs; shifts the reading frame from alanine 55.
Molecular consequence: frameshift variant.
Genome position: GRCh38 VCF-style: chr16-88803990-G-GCCCT. GRCh37 (hg19) VCF-style: chr16-88870398-G-GCCCT.
Other names: short protein forms A55fs.
Identifiers: ClinVar variation 4849302 (VCV004849302.1).

ClinVar aggregate classification (germline): Likely pathogenic (1 of 4 stars; one submission).

Conditions:
Meier-Gorlin syndrome 4 (MGORS4). Identifiers: Orphanet 2554, MedGen C3151120, MONDO:0013431, OMIM 613804.

Submission:

First Genomix Gene Laboratory, Genetic Diagnostics Department
Classification: Likely pathogenic for Meier-Gorlin syndrome 4. Last evaluated: 2025-06-20. Review status: criteria provided, single submitter. Criteria: ACMG Guidelines, 2015. Collection method: clinical testing. Allele origin: germline. Inheritance: Autosomal recessive inheritance. Affected: no. Observed: 1 variant allele.